The following is an entry in ClinVar:

NM_001164508.2(NEB):c.17258A>G (p.Lys5753Arg)

Gene: NEB (nebulin; minus strand). Cytogenetic location: 2q23.3.
Variant type: single nucleotide variant.
Coding change: c.17258A>G on transcript NM_001164508.2 (MANE Select); coding-DNA position 17258, A replaced by G.
Protein change: p.Lys5753Arg; replaces lysine 5753 with arginine.
Molecular consequence: missense variant.
Genome position (GRCh38, 1-based): chr2:151,570,253, T>C on the plus strand (A>G on the coding strand, the complement: NEB is on the minus strand). VCF-style: chr2-151570253-T-C. GRCh37 (hg19) VCF-style: chr2-152426767-T-C.
Other names: c.17258A>G, p.Lys5753Arg (NM_001164507.2, NM_001271208.2); c.12155A>G, p.Lys4052Arg (NM_004543.5); short protein forms K4052R, K5753R.
Identifiers: ClinVar variation 1351476 (VCV001351476.3), dbSNP rs2153754800, ClinGen allele CA348808040.

ClinVar aggregate classification (germline): Uncertain significance (1 of 4 stars; one submission).

Conditions:
Nemaline myopathy 2 (NEM2). Also called: Nemaline myopathy 2, autosomal recessive. Identifiers: MedGen C1850569, MONDO:0009725, OMIM 256030.

gnomAD v4.1: 1 of 1,613,768 alleles (0.000062%); highest among the groups gnomAD compares: Non-Finnish European, 0.000085%; no homozygotes.

Submission:

Labcorp Genetics (formerly Invitae), Labcorp
Classification: Uncertain significance for Nemaline myopathy 2. Last evaluated: 2021-09-08. Review status: criteria provided, single submitter. Criteria: Invitae Variant Classification Sherloc (09022015). Collection method: clinical testing. Allele origin: germline.
Comment: This sequence change replaces lysine with arginine at codon 5753 of the NEB protein (p.Lys5753Arg). The lysine residue is moderately conserved and there is a small physicochemical difference between lysine and arginine. This variant is not present in population databases (ExAC no frequency). This variant has not been reported in the literature in individuals affected with NEB-related conditions. Algorithms developed to predict the effect of missense changes on protein structure and function are either unavailable or do not agree on the potential impact of this missense change (SIFT: "Deleterious"; PolyPhen-2: "Not Available"; Align-GVGD: "Class C0"). Algorithms developed to predict the effect of sequence changes on RNA splicing suggest that this variant may create or strengthen a splice site. In summary, the available evidence is currently insufficient to determine the role of this variant in disease. Therefore, it has been classified as a Variant of Uncertain Significance.